The following is an entry in ClinVar:

NM_001041.4(SI):c.126T>G (p.Ser42Arg)

Gene: SI (sucrase-isomaltase; minus strand). Cytogenetic location: 3q26.1.
Variant type: single nucleotide variant.
Coding change: c.126T>G on transcript NM_001041.4 (MANE Select); coding-DNA position 126, T replaced by G.
Protein change: p.Ser42Arg; replaces serine 42 with arginine.
Molecular consequence: missense variant.
Genome position (GRCh38, 1-based): chr3:165,074,660, A>C on the plus strand (T>G on the coding strand, the complement: SI is on the minus strand). VCF-style: chr3-165074660-A-C. GRCh37 (hg19) VCF-style: chr3-164792448-A-C.
Other names: short protein forms S42R.
Identifiers: ClinVar variation 1952421 (VCV001952421.4), dbSNP rs768538979, ClinGen allele CA2691604.
Genomic context (GRCh38, chr3:165,074,660, plus strand): 5'-TTTTCCTGAATCAGAAGGATTTGTAGTCACACGAGTAGTAGCTGGAGTTGAAGTAGAATC[A>C]CTAATTTCTGGGGGAGGAAAAAACTCAATAAAATAAAACATGACATTAAATTAATTTTCT-3'
Protein context (NP_001032.2, residues 32-52): ATKTPAVDEI[Ser42Arg]DSTSTPATTR

ClinVar aggregate classification (germline): Uncertain significance. Review status: criteria provided, multiple submitters, no conflicts (2 of 4 stars). 2 submissions from 2 submitters: Uncertain significance (2). Last evaluated 2024-05-01.

Conditions:
Sucrase-isomaltase deficiency (CSID). Also called: Deficiency of isomaltase; SI DEFICIENCY; Congenital sucrose isomaltose malabsorption; Sucrose isomaltose enzyme deficiency. Identifiers: Orphanet 35122, MedGen C1283620, MONDO:0009114, OMIM 222900.

Allele frequency attached by ClinVar (database versions not stated): ExAC 0.00001; gnomAD 0.00001.
gnomAD v4.1: 3 of 1,609,244 alleles (0.00019%); highest among the groups gnomAD compares: Non-Finnish European, 0.00025%; no homozygotes.

Submissions (2):

Fulgent Genetics
Classification: Uncertain significance for Sucrase-isomaltase deficiency. Last evaluated: 2024-05-01. Review status: criteria provided, single submitter. Criteria: ACMG Guidelines, 2015. Collection method: clinical testing. Allele origin: germline.

Labcorp Genetics (formerly Invitae), Labcorp
Classification: Uncertain significance. Last evaluated: 2022-02-02. Review status: criteria provided, single submitter. Criteria: Invitae Variant Classification Sherloc (09022015). Collection method: clinical testing. Allele origin: germline.
Comment: In summary, the available evidence is currently insufficient to determine the role of this variant in disease. Therefore, it has been classified as a Variant of Uncertain Significance. Advanced modeling of protein sequence and biophysical properties (such as structural, functional, and spatial information, amino acid conservation, physicochemical variation, residue mobility, and thermodynamic stability) performed at Invitae indicates that this missense variant is not expected to disrupt SI protein function. This variant has not been reported in the literature in individuals affected with SI-related conditions. This variant is not present in population databases (gnomAD no frequency). This sequence change replaces serine, which is neutral and polar, with arginine, which is basic and polar, at codon 42 of the SI protein (p.Ser42Arg).